The following is an entry in ClinVar:

ClinVar aggregate classification (germline): Uncertain significance (1 of 4 stars; one submission).

Conditions:
Intellectual developmental disorder with or without epilepsy or cerebellar ataxia. Identifiers: MedGen C4748041, MONDO:0060745, OMIM 618060.

Submission:

Juno Genomics, Hangzhou Juno Genomics, Inc
Classification: Uncertain significance for Intellectual developmental disorder with or without epilepsy or cerebellar ataxia. Review status: criteria provided, single submitter. Criteria: ACMG Guidelines, 2015. Collection method: clinical testing. Allele origin: germline.
Comment: Absent from controls (or at extremely low frequency if recessive) in Genome Aggregation Database.;Multiple lines of computational evidence support a deleterious effect on the gene or gene product.

NM_134261.3(RORA):c.197-61110G>C

Genes: RORA (RAR related orphan receptor A; minus strand), RORA-AS1 (RORA antisense RNA 1; plus strand). Cytogenetic location: 15q22.2.
Variant type: single nucleotide variant.
Coding change: c.197-61110G>C on transcript NM_134261.3 (MANE Select); 61110 bases into the intron before coding-DNA position 197, G replaced by C.
Molecular consequence: intron variant.
Genome position (GRCh38, 1-based): chr15:60,592,961, C>G on the plus strand (G>C on the coding strand, the complement: RORA is on the minus strand). VCF-style: chr15-60592961-C-G. GRCh37 (hg19) VCF-style: chr15-60885160-C-G.
Other names: c.137+34277G>C (NM_134260.3); c.271+21933G>C (NM_002943.4).
Identifiers: ClinVar variation 5005441 (VCV005005441.2).
Genomic context (GRCh38, chr15:60,592,961, plus strand): 5'-ACCCGACGCCACTCTCCCGCTGGCTTGCCGGAGCACTCGGGGGCGATAAATGCGCCAGCT[C>G]GTTGGTGGAAAAGACAGGTTTGGTCTGGGGAGCTACGGTCACCCGCATTTCCTAGAGTGC-3'